The following is an entry in ClinVar:

ClinVar aggregate classification (germline): Uncertain significance (1 of 4 stars; one submission).

Submission:

GeneDx
Classification: Uncertain significance. Last evaluated: 2019-06-20. Review status: criteria provided, single submitter. Criteria: GeneDx Variant Classification Process June 2021. Collection method: clinical testing. Allele origin: germline. Affected: yes.
Comment: Not observed in large population cohorts (Lek et al., 2016); In silico analysis, which includes protein predictors and evolutionary conservation, supports that this variant does not alter protein structure/function; Has not been previously published as pathogenic or benign to our knowledge

NM_001378454.1(ALMS1):c.9715A>G (p.Lys3239Glu)

Gene: ALMS1 (ALMS1 centrosome and basal body associated protein; plus strand). Cytogenetic location: 2p13.1.
Variant type: single nucleotide variant.
Coding change: c.9715A>G on transcript NM_001378454.1 (MANE Select); coding-DNA position 9715, A replaced by G.
Protein change: p.Lys3239Glu; replaces lysine 3239 with glutamic acid.
Molecular consequence: missense variant.
Genome position (GRCh38, 1-based): chr2:73,519,950, A>G. VCF-style: chr2-73519950-A-G. GRCh37 (hg19) VCF-style: chr2-73747077-A-G.
Other names: c.9718A>G, p.Lys3240Glu (NM_015120.4); short protein forms K3239E, K3240E.
Identifiers: ClinVar variation 1306530 (VCV001306530.2), dbSNP rs2103962480, ClinGen allele CA347281323.